The following is an entry in ClinVar:

ClinVar aggregate classification (germline): Conflicting classifications of pathogenicity. Review status: criteria provided, conflicting classifications (1 of 4 stars). 4 submissions from 4 submitters: Uncertain significance (2); Likely benign (2). Last evaluated 2025-12-08.

Conditions:
JAG1-related disorder. Also called: JAG1-related condition; JAG1-related disorders.
Alagille syndrome due to a JAG1 point mutation. Also called: JAG1-Related Alagille Syndrome; Alagille Syndrome 1; HEPATIC DUCTULAR HYPOPLASIA, SYNDROMATIC. Identifiers: Orphanet 261619, Orphanet 52, MedGen C1956125, MONDO:0016862, OMIM 118450.

Allele frequency attached by ClinVar (database versions not stated): TOPMed 0.00001; gnomAD 0.00002 and 0.00003; ESP Exome Variant Server 0.00008; ExAC 0.00009.
gnomAD v4.1: 32 of 1,613,832 alleles (0.002%); highest among the groups gnomAD compares: South Asian, 0.0055%; no homozygotes.

Submissions (4):

Labcorp Genetics (formerly Invitae), Labcorp
Classification: Likely benign for Alagille syndrome due to a JAG1 point mutation. Last evaluated: 2025-12-08. Review status: criteria provided, single submitter. Criteria: Invitae Variant Classification Sherloc (09022015). Collection method: clinical testing. Allele origin: germline.

PreventionGenetics, part of Exact Sciences
Classification: Uncertain significance for JAG1-related condition. Last evaluated: 2025-08-04. Review status: criteria provided, single submitter. Criteria: ACMG Guidelines, 2015. Collection method: clinical testing. Allele origin: germline.
Comment: The JAG1 c.3001G>A variant is predicted to result in the amino acid substitution p.Ala1001Thr. To our knowledge, this variant has not been reported in the literature. This variant is reported in 0.0098% of alleles in individuals of South Asian descent in gnomAD, which may be too common to be causative. Although we suspect that this variant may be benign, at this time, the clinical significance of this variant is uncertain due to the absence of conclusive functional and genetic evidence.

Blueprint Genetics
Classification: Likely benign. Last evaluated: 2024-10-14. Review status: criteria provided, single submitter. Criteria: ACMG Guidelines, 2015. Collection method: clinical testing. Allele origin: germline.

Eurofins Ntd Llc (ga)
Classification: Uncertain significance. Last evaluated: 2018-03-22. Review status: criteria provided, single submitter. Criteria: EGL ClinVar v180209 classification definitions. Collection method: clinical testing. Allele origin: germline. Observed: 1 variant allele, 1 heterozygote.

NM_000214.3(JAG1):c.3001G>A (p.Ala1001Thr)

Gene: JAG1 (jagged canonical Notch ligand 1; minus strand). Cytogenetic location: 20p12.2.
Variant type: single nucleotide variant.
Coding change: c.3001G>A on transcript NM_000214.3 (MANE Select); coding-DNA position 3001, G replaced by A.
Protein change: p.Ala1001Thr; replaces alanine 1001 with threonine.
Molecular consequence: missense variant.
Genome position (GRCh38, 1-based): chr20:10,641,160, C>T on the plus strand (G>A on the coding strand, the complement: JAG1 is on the minus strand). VCF-style: chr20-10641160-C-T. GRCh37 (hg19) VCF-style: chr20-10621808-C-T.
Other names: c.3001G>A (NM_000214.2); c.3001G>A, p.Ala1001Thr (LRG_1191t1); short protein forms A1001T.
Identifiers: ClinVar variation 596602 (VCV000596602.15), dbSNP rs200593413, ClinGen allele CA9764329.
Genomic context (GRCh38, chr20:10,641,160, plus strand): 5'-GTCTTATACTTACAATGGCCACATGTATTTCATTGTTCGCTGAAGGGGAAGGCTCGCAAG[C>T]GATGTAGATTGAATATTCAGCGGAAACATTCTTCAAAATATTCAAATTCCTCAATTCACT-3'
Protein context (NP_000205.1, residues 991-1011): NVSAEYSIYI[Ala1001Thr]CEPSPSANNE